The following is an entry in ClinVar:

NM_004444.5(EPHB4):c.163G>A (p.Val55Met)

Gene: EPHB4 (EPH receptor B4; minus strand). Cytogenetic location: 7q22.1.
Variant type: single nucleotide variant.
Coding change: c.163G>A on transcript NM_004444.5 (MANE Select); coding-DNA position 163, G replaced by A.
Protein change: p.Val55Met; replaces valine 55 with methionine.
Molecular consequence: missense variant.
Genome position (GRCh38, 1-based): chr7:100,823,892, C>T on the plus strand (G>A on the coding strand, the complement: EPHB4 is on the minus strand). VCF-style: chr7-100823892-C-T. GRCh37 (hg19) VCF-style: chr7-100421514-C-T.
Other names: short protein forms V55M.
Identifiers: ClinVar variation 1777014 (VCV001777014.2), dbSNP rs778299552, ClinGen allele CA4393384.

ClinVar aggregate classification (germline): Uncertain significance (1 of 4 stars; one submission).

Conditions:
Cardiovascular phenotype. Identifiers: MedGen CN230736.

Allele frequency attached by ClinVar (database versions not stated): ExAC 0.00001; gnomAD exomes 0.00001; TOPMed 0.00001.
gnomAD v4.1: 3 of 1,605,812 alleles (0.00019%); highest among the groups gnomAD compares: South Asian, 0.0011%; no homozygotes.

Submission:

Ambry Genetics
Classification: Uncertain significance for Cardiovascular phenotype. Last evaluated: 2021-12-03. Review status: criteria provided, single submitter. Criteria: Ambry Variant Classification Scheme 2023. Collection method: clinical testing. Allele origin: germline.
Comment: The p.V55M variant (also known as c.163G>A), located in coding exon 3 of the EPHB4 gene, results from a G to A substitution at nucleotide position 163. The valine at codon 55 is replaced by methionine, an amino acid with highly similar properties. This amino acid position is conserved. In addition, this alteration is predicted to be tolerated by in silico analysis. Since supporting evidence is limited at this time, the clinical significance of this alteration remains unclear.